The following is an entry in ClinVar:

ClinVar aggregate classification (germline): Uncertain significance. Review status: criteria provided, multiple submitters, no conflicts (2 of 4 stars). 2 submissions from 2 submitters: Uncertain significance (2). Last evaluated 2023-11-06.

Conditions:
Neurodevelopmental disorder with hypotonia, seizures, and absent language (NDHSAL). Identifiers: MedGen C4310643, MONDO:0014995, OMIM 617268.

Submissions (2):

Labcorp Genetics (formerly Invitae), Labcorp
Classification: Uncertain significance. Last evaluated: 2023-11-06. Review status: criteria provided, single submitter. Criteria: Invitae Variant Classification Sherloc (09022015). Collection method: clinical testing. Allele origin: germline.
Comment: This sequence change replaces glycine, which is neutral and non-polar, with valine, which is neutral and non-polar, at codon 569 of the HECW2 protein (p.Gly569Val). This variant is not present in population databases (gnomAD no frequency). This variant has not been reported in the literature in individuals affected with HECW2-related conditions. ClinVar contains an entry for this variant (Variation ID: 945448). Advanced modeling of protein sequence and biophysical properties (such as structural, functional, and spatial information, amino acid conservation, physicochemical variation, residue mobility, and thermodynamic stability) performed at Invitae indicates that this missense variant is not expected to disrupt HECW2 protein function with a negative predictive value of 80%. In summary, the available evidence is currently insufficient to determine the role of this variant in disease. Therefore, it has been classified as a Variant of Uncertain Significance.

Revvity Omics, Revvity
Classification: Uncertain significance for Neurodevelopmental disorder with hypotonia, seizures, and absent language. Last evaluated: 2023-09-06. Review status: criteria provided, single submitter. Criteria: ACMG Guidelines, 2015. Collection method: clinical testing. Allele origin: germline.

NM_001348768.2(HECW2):c.1706G>T (p.Gly569Val)

Gene: HECW2 (HECT, C2 and WW domain containing E3 ubiquitin protein ligase 2; minus strand). Cytogenetic location: 2q32.3.
Variant type: single nucleotide variant.
Coding change: c.1706G>T on transcript NM_001348768.2 (MANE Select); coding-DNA position 1706, G replaced by T.
Protein change: p.Gly569Val; replaces glycine 569 with valine.
Molecular consequence: missense variant.
Genome position (GRCh38, 1-based): chr2:196,319,184, C>A on the plus strand (G>T on the coding strand, the complement: HECW2 is on the minus strand). VCF-style: chr2-196319184-C-A. GRCh37 (hg19) VCF-style: chr2-197183908-C-A.
Other names: c.638G>T, p.Gly213Val (NM_001304840.3); c.1706G>T, p.Gly569Val (NM_020760.4); short protein forms G569V, G213V.
Identifiers: ClinVar variation 945448 (VCV000945448.10), dbSNP rs1691836567, ClinGen allele CA349965616.